The following is an entry in ClinVar:

ClinVar aggregate classification (germline): Pathogenic (1 of 4 stars; one submission).

Conditions:
Arrhythmogenic cardiomyopathy with wooly hair and keratoderma. Also called: PALMOPLANTAR KERATODERMA WITH LEFT VENTRICULAR CARDIOMYOPATHY AND WOOLLY HAIR; Arrhythmogenic cardiomyopathy with woolly hair and keratoderma; Carvajal syndrome; Dilated cardiomyopathy with woolly hair and keratoderma. Identifiers: Orphanet 65282, MedGen C1854063, MONDO:0011581, OMIM 605676.
Arrhythmogenic right ventricular dysplasia 8 (ARVD8). Also called: ARRHYTHMOGENIC RIGHT VENTRICULAR DYSPLASIA, FAMILIAL, 8; ARRHYTHMOGENIC RIGHT VENTRICULAR CARDIOMYOPATHY 8; Arrhythmogenic Right Ventricular Dysplasia/Cardiomyopathy 8. Identifiers: MedGen C1843896, MONDO:0011831, OMIM 607450.

Submission:

Labcorp Genetics (formerly Invitae), Labcorp
Classification: Pathogenic for Arrhythmogenic cardiomyopathy with wooly hair and keratoderma; Arrhythmogenic right ventricular dysplasia 8. Last evaluated: 2020-09-20. Review status: criteria provided, single submitter. Criteria: Invitae Variant Classification Sherloc (09022015). Collection method: clinical testing. Allele origin: germline.
Comment: For these reasons, this variant has been classified as Pathogenic. This variant disrupts the C-terminus of the DSP protein. Other variant(s) that disrupt this region (p.Glu2728Glyfs*11) have been determined to be pathogenic (Invitae). This suggests that variants that disrupt this region of the protein are likely to be causative of disease. This variant has not been reported in the literature in individuals with DSP-related conditions. This variant is not present in population databases (ExAC no frequency). This sequence change results in a premature translational stop signal in the DSP gene (p.His2363Profs*17). While this is not anticipated to result in nonsense mediated decay, it is expected to disrupt the last 509 amino acids of the DSP protein.

NM_004415.4(DSP):c.7082dup (p.His2363fs)

Gene: DSP (desmoplakin; plus strand). Cytogenetic location: 6p24.3.
Variant type: Duplication.
Coding change: c.7082dup on transcript NM_004415.4 (MANE Select); coding-DNA position 7082, one base duplicated (A; older notation c.7082dupA).
Protein change: p.His2363fs; shifts the reading frame from histidine 2363.
Molecular consequence: frameshift variant.
Genome position (GRCh38, 1-based): chr6:7,584,344, A duplicated; the last of 4 consecutive A bases (chr6:7,584,341-7,584,344); duplicating any one gives the same sequence. VCF-style (leftmost placement, unchanged base first): chr6-7584340-G-GA. GRCh37 (hg19) VCF-style: chr6-7584573-G-GA.
Other names: c.5285dup, p.His1764fs (NM_001008844.3); c.5753dup, p.His1920fs (NM_001319034.2); short protein forms H1764fs, H1920fs, H2363fs.
Identifiers: ClinVar variation 1069816 (VCV001069816.9), dbSNP rs2113701589, ClinGen allele CA2499218565.
Genomic context (GRCh38, chr6:7,584,340, plus strand): 5'-AATGATCCTGAAACAGGAAACATCATCTCTTTGTTCCAAGCCATGAATAAGGAACTCATC[G>GA]AAAAGGGCCACGGTATTCGCTTATTAGAAGCACAGATCGCAACCGGGGGGATCATTGACC-3'